The following is an entry in ClinVar:

ClinVar aggregate classification (germline): Uncertain significance (1 of 4 stars; one submission).

Submission:

GeneDx
Classification: Uncertain significance. Last evaluated: 2025-02-12. Review status: criteria provided, single submitter. Criteria: GeneDx Variant Classification Process June 2021. Collection method: clinical testing. Allele origin: germline. Affected: yes.
Comment: Not observed at significant frequency in large population cohorts (gnomAD); In silico analysis indicates that this missense variant does not alter protein structure/function; Has not been previously published as pathogenic or benign to our knowledge.

NM_005909.5(MAP1B):c.6101C>T (p.Thr2034Ile)

Gene: MAP1B (microtubule associated protein 1B; plus strand). Cytogenetic location: 5q13.2.
Variant type: single nucleotide variant.
Coding change: c.6101C>T on transcript NM_005909.5 (MANE Select); coding-DNA position 6101, C replaced by T.
Protein change: p.Thr2034Ile; replaces threonine 2034 with isoleucine.
Molecular consequence: missense variant.
Genome position (GRCh38, 1-based): chr5:72,199,456, C>T. VCF-style: chr5-72199456-C-T. GRCh37 (hg19) VCF-style: chr5-71495283-C-T.
Other names: c.5723C>T, p.Thr1908Ile (NM_001324255.2); short protein forms T1908I, T2034I.
Identifiers: ClinVar variation 4075552 (VCV004075552.1).